The following is an entry in ClinVar:

NM_001134363.3(RBM20):c.2941C>G (p.Pro981Ala)

Gene: RBM20 (RNA binding motif protein 20; plus strand). Cytogenetic location: 10q25.2.
Variant type: single nucleotide variant.
Coding change: c.2941C>G on transcript NM_001134363.3 (MANE Select); coding-DNA position 2941, C replaced by G.
Protein change: p.Pro981Ala; replaces proline 981 with alanine.
Molecular consequence: missense variant.
Genome position (GRCh38, 1-based): chr10:110,821,560, C>G. VCF-style: chr10-110821560-C-G. GRCh37 (hg19) VCF-style: chr10-112581318-C-G.
Other names: short protein forms P981A.
Identifiers: ClinVar variation 2564171 (VCV002564171.2), dbSNP rs2493494128, ClinGen allele CA378378515.
Genomic context (GRCh38, chr10:110,821,560, plus strand): 5'-TTCCCCAAGGAAGGAGTCAAGGCCGTAGGGAATGGGGCTGCAGAAATCAGCCTCAAGTCA[C>G]CCAGAGAACTGCCCTCTGCTTCCACAAGCTGTCCCAGTGACATGGACGTGGAAATGCCTG-3'
Protein context (NP_001127835.2, residues 971-991): NGAAEISLKS[Pro981Ala]RELPSASTSC

ClinVar aggregate classification (germline): Uncertain significance (1 of 4 stars; one submission).

Conditions:
Cardiovascular phenotype. Identifiers: MedGen CN230736.

gnomAD v4.1: 3 of 1,551,222 alleles (0.00019%); highest among the groups gnomAD compares: Non-Finnish European, 0.00026%; no homozygotes.

Submission:

Ambry Genetics
Classification: Uncertain significance for Cardiovascular phenotype. Last evaluated: 2023-03-16. Review status: criteria provided, single submitter. Criteria: Ambry Variant Classification Scheme 2023. Collection method: clinical testing. Allele origin: germline.
Comment: The p.P981A variant (also known as c.2941C>G), located in coding exon 11 of the RBM20 gene, results from a C to G substitution at nucleotide position 2941. The proline at codon 981 is replaced by alanine, an amino acid with highly similar properties. This amino acid position is conserved. In addition, this alteration is predicted to be tolerated by in silico analysis. Since supporting evidence is limited at this time, the clinical significance of this alteration remains unclear.